The following is an entry in ClinVar:

NM_000238.4(KCNH2):c.2077C>T (p.Leu693=)

Gene: KCNH2 (potassium voltage-gated channel subfamily H member 2; minus strand). Cytogenetic location: 7q36.1.
Variant type: single nucleotide variant.
Coding change: c.2077C>T on transcript NM_000238.4 (MANE Select); coding-DNA position 2077, C replaced by T.
Protein change: p.Leu693=; no amino-acid change (leucine 693 retained).
Molecular consequence: synonymous variant. On other transcripts: non-coding transcript variant (2).
Genome position (GRCh38, 1-based): chr7:150,950,989, G>A on the plus strand (C>T on the coding strand, the complement: KCNH2 is on the minus strand). VCF-style: chr7-150950989-G-A. GRCh37 (hg19) VCF-style: chr7-150648077-G-A.
Other names: c.1057C>T, p.Leu353= (NM_001204798.2, NM_172057.3); c.1789C>T, p.Leu597= (NM_001406753.1, NM_001406756.1); c.1900C>T, p.Leu634= (NM_001406755.1); c.1777C>T, p.Leu593= (NM_001406757.1); c.2077C>T, p.Leu693= (NM_172056.3).
Identifiers: ClinVar variation 681448 (VCV000681448.8), dbSNP rs1380382303, ClinGen allele CA458645370.

ClinVar aggregate classification (germline): Likely benign. Review status: criteria provided, multiple submitters, no conflicts (2 of 4 stars). 3 submissions from 3 submitters: Likely benign (3). Last evaluated 2025-01-20.

Conditions:
Long QT syndrome (LQTS). Identifiers: MedGen C0023976, MeSH D008133, MONDO:0002442. Disease mechanism: loss of function. Inheritance: Various modes of inheritance.
Cardiac arrhythmia. Also called: Cardiac rhythm disease; Arrhythmia. Identifiers: MedGen C0003811, MONDO:0007263, HP:0011675.

Allele frequency attached by ClinVar (database versions not stated): gnomAD 0.00001.

Submissions (3):

Labcorp Genetics (formerly Invitae), Labcorp
Classification: Likely benign for Long QT syndrome. Last evaluated: 2025-01-20. Review status: criteria provided, single submitter. Criteria: Invitae Variant Classification Sherloc (09022015). Collection method: clinical testing. Allele origin: germline.

Color Diagnostics, LLC DBA Color Health
Classification: Likely benign for Arrhythmia. Last evaluated: 2020-01-27. Review status: criteria provided, single submitter. Criteria: ACMG Guidelines, 2015. Collection method: clinical testing. Allele origin: germline.

GeneDx
Classification: Likely benign. Last evaluated: 2018-04-03. Review status: criteria provided, single submitter. Criteria: GeneDx Variant Classification (06012015). Collection method: clinical testing. Allele origin: germline. Affected: yes.
Comment: This variant is considered likely benign or benign based on one or more of the following criteria: it is a conservative change, it occurs at a poorly conserved position in the protein, it is predicted to be benign by multiple in silico algorithms, and/or has population frequency not consistent with disease.